The following is an entry in ClinVar:

ClinVar aggregate classification (germline): Likely benign (1 of 4 stars; one submission).

Allele frequency attached by ClinVar (database versions not stated): ExAC below 0.00001; gnomAD 0.00001; TOPMed 0.00001; gnomAD exomes 0.00002.
gnomAD v4.1: 25 of 1,479,454 alleles (0.0017%); highest among the groups gnomAD compares: Non-Finnish European, 0.0022%; no homozygotes.

Submission:

GeneDx
Classification: Likely benign. Last evaluated: 2015-11-25. Review status: criteria provided, single submitter. Criteria: GeneDx Variant Classification (06012015). Collection method: clinical testing. Allele origin: germline. Affected: yes.
Comment: This variant is considered likely benign or benign based on one or more of the following criteria: it is a conservative change, it occurs at a poorly conserved position in the protein, it is predicted to be benign by multiple in silico algorithms, and/or has population frequency not consistent with disease.

NM_000455.5(STK11):c.*16+14G>A

Gene: STK11 (serine/threonine kinase 11; plus strand). Cytogenetic location: 19p13.3.
Variant type: single nucleotide variant.
Coding change: c.*16+14G>A on transcript NM_000455.5 (MANE Select); 14 bases into the intron after 16 bases downstream of the stop codon, G replaced by A.
Molecular consequence: intron variant.
Genome position (GRCh38, 1-based): chr19:1,226,677, G>A. VCF-style: chr19-1226677-G-A. GRCh37 (hg19) VCF-style: chr19-1226676-G-A.
Identifiers: ClinVar variation 381832 (VCV000381832.1), dbSNP rs772576776, ClinGen allele CA046413.